The following is an entry in ClinVar:

ClinVar aggregate classification (germline): Conflicting classifications of pathogenicity. Review status: criteria provided, conflicting classifications (1 of 4 stars). 5 submissions from 5 submitters: Uncertain significance (2); Likely benign (2). 1 of the submissions does not count toward it. Last evaluated 2025-12-03.

Conditions:
POLG-related disorder. Also called: POLG-Related Spectrum Disorders; POLG-related condition; POLG-Related Disorders. Identifiers: MedGen C4763519.
Progressive sclerosing poliodystrophy (MTDPS4A). Also called: ALPERS DIFFUSE DEGENERATION OF CEREBRAL GRAY MATTER WITH HEPATIC CIRRHOSIS; Mitochondrial DNA depletion syndrome 4A (Alpers type); Alpers-Huttenlocher Syndrome (AHS); NEURONAL DEGENERATION OF CHILDHOOD WITH LIVER DISEASE, PROGRESSIVE; Alpers-Huttenlocher Syndrome; Mitochondrial DNA Depletion Syndrome 4A. Identifiers: Orphanet 726, MedGen C0205710, MONDO:0008758, OMIM 203700.

Allele frequency attached by ClinVar (database versions not stated): gnomAD exomes below 0.00001 and 0.00001; ExAC 0.00001; TOPMed 0.00001; gnomAD 0.00002 and 0.00003; 1000 Genomes Project 30x 0.00016; 1000 Genomes Project 0.00020.
gnomAD v4.1: 12 of 1,613,928 alleles (0.00074%); highest among the groups gnomAD compares: African/African-American, 0.004%; no homozygotes.

Submissions (5):

Labcorp Genetics (formerly Invitae), Labcorp
Classification: Likely benign for Progressive sclerosing poliodystrophy. Last evaluated: 2025-12-03. Review status: criteria provided, single submitter. Criteria: Invitae Variant Classification Sherloc (09022015). Collection method: clinical testing. Allele origin: germline.

Blueprint Genetics
Classification: Uncertain significance. Last evaluated: 2022-03-08. Review status: criteria provided, single submitter. Criteria: ACMG Guidelines, 2015. Collection method: clinical testing. Allele origin: germline.

Wong Mito Lab, Molecular and Human Genetics, Baylor College of Medicine
Classification: Likely benign for Progressive sclerosing poliodystrophy. Last evaluated: 2018-10-01. Review status: criteria provided, single submitter. Criteria: ACMG Guidelines, 2015. Collection method: clinical testing. Allele origin: germline.
Comment: The NM_002693.2:c.2019C>T (NP_002684.1:p.Ala673=) [GRCH38: NC_000015.10:g.89324158G>A] variant in POLG gene is interpretated to be a Likely Benign based on ACMG guidelines (PMID: 25741868). This variant meets the following evidence codes reported in the ACMG-guideline. BP4:Computational evidence/predictors indicate no impact on the POLG structure, function, or protein-protein interaction. BP7:The variant is silent with non predicted splice impact. Based on the evidence criteria codes applied, the variant is suggested to be Likely Benign.

Eurofins Ntd Llc (ga)
Classification: Uncertain significance. Last evaluated: 2015-12-22. Review status: criteria provided, single submitter. Criteria: EGL Classification Definitions 2015. Collection method: clinical testing. Allele origin: germline. Observed: 1 variant allele, 1 heterozygote.

PreventionGenetics, part of Exact Sciences
Classification: Likely benign for POLG-related condition. Last evaluated: 2023-08-07. Review status: no assertion criteria provided. Collection method: clinical testing. Allele origin: germline. Not counted in ClinVar's aggregate classification.
Comment: This variant is classified as likely benign based on ACMG/AMP sequence variant interpretation guidelines (Richards et al. 2015 PMID: 25741868, with internal and published modifications).

NM_002693.3(POLG):c.2019C>T (p.Ala673=)

Gene: POLG (DNA polymerase gamma, catalytic subunit; minus strand). Cytogenetic location: 15q26.1.
Variant type: single nucleotide variant.
Coding change: c.2019C>T on transcript NM_002693.3 (MANE Select); coding-DNA position 2019, C replaced by T.
Protein change: p.Ala673=; no amino-acid change (alanine 673 retained).
Molecular consequence: synonymous variant.
Genome position (GRCh38, 1-based): chr15:89,324,158, G>A on the plus strand (C>T on the coding strand, the complement: POLG is on the minus strand). VCF-style: chr15-89324158-G-A. GRCh37 (hg19) VCF-style: chr15-89867389-G-A.
Other names: c.2019C>T, p.Ala673= (NM_001126131.2).
Identifiers: ClinVar variation 285501 (VCV000285501.17), dbSNP rs557179508, ClinGen allele CA7724619.